The following is an entry in ClinVar:

ClinVar aggregate classification (germline): Uncertain significance (1 of 4 stars; one submission).

Allele frequency attached by ClinVar (database versions not stated): ExAC 0.00019.

Submission:

Labcorp Genetics (formerly Invitae), Labcorp
Classification: Uncertain significance. Last evaluated: 2024-02-24. Review status: criteria provided, single submitter. Criteria: Invitae Variant Classification Sherloc (09022015). Collection method: clinical testing. Allele origin: germline.
Comment: This variant occurs in the RNU4ATAC gene, which encodes an RNA molecule that does not result in a protein product. This variant is present in population databases (rs755338710, gnomAD 0.03%). This variant has not been reported in the literature in individuals affected with RNU4ATAC-related conditions. ClinVar contains an entry for this variant (Variation ID: 1400330). Experimental studies and prediction algorithms are not available or were not evaluated, and the functional significance of this variant is currently unknown. In summary, the available evidence is currently insufficient to determine the role of this variant in disease. Therefore, it has been classified as a Variant of Uncertain Significance.

NC_000002.12:g.121530978_121530979insC

Genes: CLASP1 (cytoplasmic linker associated protein 1; minus strand), CLASP1-AS1 (CLASP1 antisense RNA 1; plus strand), RNU4ATAC (RNA, U4atac small nuclear; plus strand). Cytogenetic location: 2q14.2.
Variant type: Insertion.
Molecular consequence: intron variant (on NM_001395891.1).
Genome position: GRCh38 VCF-style: chr2-121530978-T-TC. GRCh37 (hg19) VCF-style: chr2-122288554-T-TC.
Other names: c.196-654_196-653insG (NM_001142274.2, NM_015282.3, NM_001378003.1 and 5 more transcripts).
Identifiers: ClinVar variation 1400330 (VCV001400330.5), dbSNP rs755338710, ClinGen allele CA1854738.
Genomic context (GRCh38, chr2:121,530,978, plus strand): 5'-GCGCATAGTGAGGGCAGTACTGCTAACGCCTGAACAACACACCCGCATCAACTAGAGCTT[T>TC]TGCTTTATTTTGGTGCAATTTTTGGAAAAATGAAAACCTGTTTTCATAGACTTATCAGTT-3'